The following is an entry in ClinVar:

GRCh37/hg19 7p22.1(chr7:5521357-5569119)x1

Genes: ACTB (actin beta; minus strand), FBXL18 (F-box and leucine rich repeat protein 18; minus strand). Cytogenetic location: 7p22.1.
Variant type: copy number loss.
Change: copy number 1 (one copy instead of two) of chr7:5,521,357-5,569,119 (47.8 kb, GRCh37 coordinates, 1-based), cytogenetic band 7p22.1.
Identifiers: ClinVar variation 3338456 (VCV003338456.1).

ClinVar aggregate classification (germline): Likely pathogenic (0 of 4 stars; one submission).

Conditions:
Dystonia 22, juvenile-onset (DYT22JO). Identifiers: MedGen C5830645, MONDO:0957539, OMIM 620453.

Submission:

Solve-RD Consortium
Classification: Likely pathogenic for Dystonia 22, juvenile-onset. Last evaluated: 2024-06-01. Review status: no assertion criteria provided. Collection method: provider interpretation. Allele origin: de novo. Affected: yes.
Comment: This CNV was confirmed by the submitting clinician to impact a gene that corresponds with the phenotype of the affected individual, and thus deemed to be causative for their condition.

Literature cited by the submitters: PubMed 39825153.